The following is an entry in ClinVar:

NM_001283009.2(RTEL1):c.1870C>G (p.Arg624Gly)

Genes: RTEL1 (regulator of telomere elongation helicase 1; plus strand), RTEL1-TNFRSF6B (RTEL1-TNFRSF6B readthrough (NMD candidate); plus strand). Cytogenetic location: 20q13.33.
Variant type: single nucleotide variant.
Coding change: c.1870C>G on transcript NM_001283009.2 (MANE Select); coding-DNA position 1870, C replaced by G.
Protein change: p.Arg624Gly; replaces arginine 624 with glycine.
Molecular consequence: missense variant. On other transcripts: non-coding transcript variant (1).
Genome position (GRCh38, 1-based): chr20:63,689,124, C>G. VCF-style: chr20-63689124-C-G. GRCh37 (hg19) VCF-style: chr20-62320477-C-G.
Other names: c.1201C>G, p.Arg401Gly (NM_001283010.1); c.1870C>G, p.Arg624Gly (NM_016434.4); c.1942C>G, p.Arg648Gly (NM_032957.5); short protein forms R624G, R401G, R648G.
Identifiers: ClinVar variation 5028523 (VCV005028523.1).

ClinVar aggregate classification (germline): Uncertain significance (1 of 4 stars; one submission).

Conditions:
Inborn genetic diseases. Identifiers: MedGen C0950123, MeSH D030342.

Submission:

Ambry Genetics
Classification: Uncertain significance for Inborn genetic diseases. Last evaluated: 2026-08-25. Review status: criteria provided, single submitter. Criteria: Ambry Variant Classification Scheme 2023. Collection method: clinical testing. Allele origin: germline.
Comment: The p.R624G variant (also known as c.1870C>G), located in coding exon 21 of the RTEL1 gene, results from a C to G substitution at nucleotide position 1870. The arginine at codon 624 is replaced by glycine, an amino acid with dissimilar properties. This amino acid position is conserved. In addition, this alteration is predicted to be deleterious by in silico analysis. Based on the available evidence, the clinical significance of this variant remains unclear.